The following is an entry in ClinVar:

ClinVar aggregate classification (germline): Benign/Likely benign. Review status: criteria provided, multiple submitters, no conflicts (2 of 4 stars). 3 submissions from 3 submitters: Benign (1); Likely benign (2). Last evaluated 2024-06-27.

Conditions:
Hereditary cancer-predisposing syndrome. Also called: Tumor predisposition; Neoplastic Syndromes, Hereditary; Hereditary Cancer Syndrome; Hereditary neoplastic syndrome. Identifiers: Orphanet 140162, MedGen C0027672, MeSH D009386, MONDO:0015356.
Oligodontia-cancer predisposition syndrome. Also called: TOOTH AGENESIS-COLORECTAL CANCER SYNDROME. Identifiers: Orphanet 300576, MedGen C1837750, MONDO:0012075, OMIM 608615. Disease mechanism: loss of function.

Submissions (3):

Myriad Genetics, Inc.
Classification: Benign for Oligodontia-cancer predisposition syndrome. Last evaluated: 2024-06-27. Review status: criteria provided, single submitter. Criteria: Myriad Autosomal Dominant, Autosomal Recessive and X-Linked Classification Criteria (2023). Collection method: clinical testing. Allele origin: unknown.
Comment: This variant is considered benign. This variant is a silent/synonymous amino acid change and it is not expected to impact splicing.

Labcorp Genetics (formerly Invitae), Labcorp
Classification: Likely benign for Oligodontia-cancer predisposition syndrome. Last evaluated: 2022-11-25. Review status: criteria provided, single submitter. Criteria: Invitae Variant Classification Sherloc (09022015). Collection method: clinical testing. Allele origin: germline.

Ambry Genetics
Classification: Likely benign for Hereditary cancer-predisposing syndrome. Last evaluated: 2022-07-29. Review status: criteria provided, single submitter. Criteria: Ambry Variant Classification Scheme 2023. Collection method: clinical testing. Allele origin: germline.

NM_004655.4(AXIN2):c.867T>C (p.Tyr289=)

Gene: AXIN2 (axin 2; minus strand). Cytogenetic location: 17q24.1.
Variant type: single nucleotide variant.
Coding change: c.867T>C on transcript NM_004655.4 (MANE Select); coding-DNA position 867, T replaced by C.
Protein change: p.Tyr289=; no amino-acid change (tyrosine 289 retained).
Molecular consequence: synonymous variant.
Genome position (GRCh38, 1-based): chr17:65,549,609, A>G on the plus strand (T>C on the coding strand, the complement: AXIN2 is on the minus strand). VCF-style: chr17-65549609-A-G. GRCh37 (hg19) VCF-style: chr17-63545727-A-G.
Other names: c.867T>C, p.Tyr289= (NM_001363813.1).
Identifiers: ClinVar variation 1582064 (VCV001582064.11), dbSNP rs2144539293, ClinGen allele CA501476717.